The following is an entry in ClinVar:

NM_001369268.1(ACAN):c.1567C>G (p.Gln523Glu)

Gene: ACAN (aggrecan; plus strand). Cytogenetic location: 15q26.1.
Variant type: single nucleotide variant.
Coding change: c.1567C>G on transcript NM_001369268.1 (MANE Select); coding-DNA position 1567, C replaced by G.
Protein change: p.Gln523Glu; replaces glutamine 523 with glutamic acid.
Molecular consequence: missense variant.
Genome position (GRCh38, 1-based): chr15:88,847,380, C>G. VCF-style: chr15-88847380-C-G. GRCh37 (hg19) VCF-style: chr15-89390611-C-G.
Other names: c.1567C>G (NM_013227.3); c.1567C>G, p.Gln523Glu (NM_001135.4, NM_013227.4); short protein forms Q523E.
Identifiers: ClinVar variation 1379603 (VCV001379603.7), dbSNP rs372777485, ClinGen allele CA7719589.

ClinVar aggregate classification (germline): Uncertain significance. Review status: criteria provided, multiple submitters, no conflicts (2 of 4 stars). 2 submissions from 2 submitters: Uncertain significance (2). Last evaluated 2025-04-19.

Conditions:
Inborn genetic diseases. Identifiers: MedGen C0950123, MeSH D030342.

Allele frequency attached by ClinVar (database versions not stated): gnomAD exomes 0.00004; ESP Exome Variant Server 0.00008; ExAC 0.00013; TOPMed 0.00022; gnomAD 0.00023 and 0.00024; 1000 Genomes Project 30x 0.00031; 1000 Genomes Project 0.00040.
gnomAD v4.1: 53 of 1,587,900 alleles (0.0033%); highest among the groups gnomAD compares: African/African-American, 0.068%; no homozygotes.

Submissions (2):

Labcorp Genetics (formerly Invitae), Labcorp
Classification: Uncertain significance. Last evaluated: 2025-04-19. Review status: criteria provided, single submitter. Criteria: Invitae Variant Classification Sherloc (09022015). Collection method: clinical testing. Allele origin: germline.
Comment: This sequence change replaces glutamine, which is neutral and polar, with glutamic acid, which is acidic and polar, at codon 523 of the ACAN protein (p.Gln523Glu). This variant is present in population databases (rs372777485, gnomAD 0.07%). This variant has not been reported in the literature in individuals affected with ACAN-related conditions. ClinVar contains an entry for this variant (Variation ID: 1379603). Invitae Evidence Modeling of protein sequence and biophysical properties (such as structural, functional, and spatial information, amino acid conservation, physicochemical variation, residue mobility, and thermodynamic stability) indicates that this missense variant is not expected to disrupt ACAN protein function with a negative predictive value of 80%. In summary, the available evidence is currently insufficient to determine the role of this variant in disease. Therefore, it has been classified as a Variant of Uncertain Significance.

Ambry Genetics
Classification: Uncertain significance for Inborn genetic diseases. Last evaluated: 2021-07-28. Review status: criteria provided, single submitter. Criteria: Ambry Variant Classification Scheme 2023. Collection method: clinical testing. Allele origin: germline.